The following is an entry in ClinVar:

NM_153717.3(EVC):c.203del (p.Asn68fs)

Gene: EVC (EvC ciliary complex subunit 1; plus strand). Cytogenetic location: 4p16.2.
Variant type: Deletion.
Coding change: c.203del on transcript NM_153717.3 (MANE Select); coding-DNA position 203, one base deleted (A; older notation c.203delA).
Protein change: p.Asn68fs; shifts the reading frame from asparagine 68.
Molecular consequence: frameshift variant.
Genome position (GRCh38, 1-based): chr4:5,719,276, A deleted; the last of 2 consecutive A bases (chr4:5,719,275-5,719,276); deleting either gives the same sequence. VCF-style (leftmost placement, unchanged base first): chr4-5719274-GA-G. GRCh37 (hg19) VCF-style: chr4-5721001-GA-G.
Other names: c.203del, p.Asn68fs (NM_001306090.2, NM_001306092.2); c.203delA (NM_153717.3); short protein forms N68fs.
Identifiers: ClinVar variation 1457236 (VCV001457236.9), dbSNP rs1560274093, ClinGen allele CA549405309.
Genomic context (GRCh38, chr4:5,719,274, plus strand): 5'-TATCCACCCCCAACTCCTGACCTTCGGGTTTTAGAAAGACGACACTCAAAATCTGCTCAA[GA>G]ATTTGGAGTCTAATGCGCAGACCCCCTCGGAAACTGGCTCCCCATCAAGGAGGAGGAAGA-3'

ClinVar aggregate classification (germline): Pathogenic. Review status: criteria provided, multiple submitters, no conflicts (2 of 4 stars). 2 submissions from 2 submitters: Pathogenic (2). Last evaluated 2024-03-19.

Conditions:
Ellis-van Creveld syndrome (EVC). Also called: EVC-Related Ellis-van Creveld Syndrome; EVC2-Related Ellis-van Creveld Syndrome; MESOECTODERMAL DYSPLASIA; Chondroectodermal dysplasia. Identifiers: Orphanet 289, MedGen C0013903, MONDO:0009162, OMIM 225500.
Curry-Hall syndrome (WAD). Also called: WEYERS ACRODENTAL DYSOSTOSIS. Identifiers: Orphanet 952, MedGen C0457013, MONDO:0008673, OMIM 193530.

Submissions (2):

Women's Health and Genetics/Laboratory Corporation of America, LabCorp
Classification: Pathogenic for Ellis-van Creveld syndrome. Last evaluated: 2024-03-19. Review status: criteria provided, single submitter. Criteria: LabCorp Variant Classification Summary - May 2015. Collection method: clinical testing. Allele origin: germline.
Comment: Variant summary: EVC c.203delA (p.Asn68IlefsX48) results in a premature termination codon, predicted to cause a truncation of the encoded protein or absence of the protein due to nonsense mediated decay, which are commonly known mechanisms for disease. The variant allele was found at a frequency of 4e-06 in 251490 control chromosomes. c.203delA has been reported in the literature in at least one compound heterozygous individual affected with Ellis-van Creveld syndrome (e.g. Valencia_2009). To our knowledge, no experimental evidence demonstrating an impact on protein function has been reported. The following publication has been ascertained in the context of this evaluation (PMID: 19810119). ClinVar contains an entry for this variant (Variation ID: 1457236). Based on the evidence outlined above, the variant was classified as pathogenic.

Labcorp Genetics (formerly Invitae), Labcorp
Classification: Pathogenic for Curry-Hall syndrome; Ellis-van Creveld syndrome. Last evaluated: 2021-10-12. Review status: criteria provided, single submitter. Criteria: Invitae Variant Classification Sherloc (09022015). Collection method: clinical testing. Allele origin: germline.
Comment: This sequence change creates a premature translational stop signal (p.Asn68Ilefs*48) in the EVC gene. It is expected to result in an absent or disrupted protein product. Loss-of-function variants in EVC are known to be pathogenic (PMID: 23220543). For these reasons, this variant has been classified as Pathogenic. This premature translational stop signal has been observed in individual(s) with clinical features of Ellis-van Creveld syndrome (PMID: 19810119). This variant is not present in population databases (ExAC no frequency).

Literature cited by the submitters: PubMed 19810119 (cited by Women's Health and Genetics/Laboratory Corporation of America, LabCorp and Labcorp Genetics (formerly Invitae), Labcorp); PubMed 23220543 (cited by Labcorp Genetics (formerly Invitae), Labcorp).